The following is an entry in ClinVar:

ClinVar aggregate classification (germline): Pathogenic (1 of 4 stars; one submission).

Conditions:
Congenital muscular hypertrophy-cerebral syndrome (CDLS2). Also called: SMC1A-Related Cornelia de Lange Syndrome; Cornelia de Lange syndrome 2. Identifiers: Orphanet 199, MedGen C1802395, MONDO:0010370, OMIM 300590.

Submission:

Labcorp Genetics (formerly Invitae), Labcorp
Classification: Pathogenic for Congenital muscular hypertrophy-cerebral syndrome. Last evaluated: 2018-08-06. Review status: criteria provided, single submitter. Criteria: Invitae Variant Classification Sherloc (09022015). Collection method: clinical testing. Allele origin: germline.
Comment: This sequence change creates a premature translational stop signal (p.Lys433Asnfs*17) in the SMC1A gene. It is expected to result in an absent or disrupted protein product. This variant is not present in population databases (ExAC no frequency). This variant has not been reported in the literature in individuals with SMC1A-related disease. Loss-of-function variants in SMC1A are known to be pathogenic (PMID: 26358754, 26386245, 27334371). For these reasons, this variant has been classified as Pathogenic.

NM_006306.4(SMC1A):c.1299del (p.Lys433fs)

Gene: SMC1A (structural maintenance of chromosomes 1A; minus strand). Cytogenetic location: Xp11.22.
Variant type: Deletion.
Coding change: c.1299del on transcript NM_006306.4 (MANE Select); coding-DNA position 1299, one base deleted (G; older notation c.1299delG).
Protein change: p.Lys433fs; shifts the reading frame from lysine 433.
Molecular consequence: frameshift variant.
Genome position (GRCh38, 1-based): chrX:53,409,459, C deleted on the plus strand (G on the coding strand, the reverse complement: SMC1A is on the minus strand). VCF-style (leftmost placement, unchanged base first): chrX-53409458-GC-G. GRCh37 (hg19) VCF-style: chrX-53436389-GC-G.
Other names: c.1299delG (NM_006306.3); c.1233del, p.Lys411fs (NM_001281463.1); short protein forms K433fs, K411fs.
Identifiers: ClinVar variation 645044 (VCV000645044.1), dbSNP rs1602411858, ClinGen allele CA915951069.